The following is an entry in ClinVar:

ClinVar aggregate classification (germline): Conflicting classifications of pathogenicity. Review status: criteria provided, conflicting classifications (1 of 4 stars). 2 submissions from 2 submitters: Pathogenic (1); Uncertain significance (1). Last evaluated 2021-03-14.

Conditions:
Developmental and epileptic encephalopathy, 44 (DEE44). Also called: Epileptic encephalopathy, early infantile, 44. Identifiers: MedGen C4310700, MONDO:0014933, OMIM 617132.

gnomAD v4.1: 4 of 1,613,718 alleles (0.00025%); highest among the groups gnomAD compares: Non-Finnish European, 0.00034%; no homozygotes.

Submissions (2):

Undiagnosed Diseases Network, NIH
Classification: Pathogenic for Developmental and epileptic encephalopathy, 44. Last evaluated: 2021-03-14. Review status: criteria provided, single submitter. Criteria: ACMG Guidelines, 2015. Collection method: clinical testing. Allele origin: paternal. Inheritance: Autosomal recessive inheritance. Affected: yes. Observed: 1 variant allele, 1 compound heterozygote.
Comment: Functional analyses demonstrated that the p.Cys303Arg variant results in a significant decrease in protein function. See PMID: 33811063. ACMG criteria applied: PS3, PM2, PM3, PP3, PP4.

Broad Center for Mendelian Genomics, Broad Institute of MIT and Harvard
Classification: Uncertain significance for Developmental and epileptic encephalopathy, 44. Review status: criteria provided, single submitter. Criteria: ACMG Guidelines, 2015. Collection method: research. Allele origin: germline. Inheritance: Autosomal recessive inheritance. Affected: yes. Observed: 1 variant allele, 1 compound heterozygote. Study: Broad Institute Center for Mendelian Genomics (CMG).
Comment: The p.Cys303Arg variant has not been reported in the literature and was absent from large population studies. The cysteine (cys) at position 303 is highly conserved in mammals and evolutionary distant species, raising the possibility/supporting that a change at this position may not be tolerated. Computational tools do not provide strong support for or against an impact to the protein. In summary, the clinical significance of the p.Cys303Arg variant is uncertain.

Literature cited by the submitters: PubMed 33811063 (cited by Undiagnosed Diseases Network, NIH).

NM_024818.6(UBA5):c.907T>C (p.Cys303Arg)

Genes: NPHP3-ACAD11 (NPHP3-ACAD11 readthrough (NMD candidate); minus strand), UBA5 (ubiquitin like modifier activating enzyme 5; plus strand). Cytogenetic location: 3q22.1.
Variant type: single nucleotide variant.
Coding change: c.907T>C on transcript NM_024818.6 (MANE Select); coding-DNA position 907, T replaced by C.
Protein change: p.Cys303Arg; replaces cysteine 303 with arginine.
Molecular consequence: missense variant.
Genome position (GRCh38, 1-based): chr3:132,675,342, T>C. VCF-style: chr3-132675342-T-C. GRCh37 (hg19) VCF-style: chr3-132394186-T-C.
Other names: c.739T>C, p.Cys247Arg (NM_001320210.2, NM_198329.4); c.637T>C, p.Cys213Arg (NM_001321238.2); c.571T>C, p.Cys191Arg (NM_001321239.1); short protein forms C303R, C191R, C213R, C247R.
Identifiers: ClinVar variation 522846 (VCV000522846.11), dbSNP rs1553770577, ClinGen allele CA354576324.